The following is an entry in ClinVar:

ClinVar aggregate classification (germline): Uncertain significance (1 of 4 stars; one submission).

Conditions:
Epileptic encephalopathy. Identifiers: MedGen C0543888, HP:0200134.

gnomAD v4.1: 6 of 1,609,098 alleles (0.00037%); highest among the groups gnomAD compares: South Asian, 0.0033%; no homozygotes.

Submission:

Labcorp Genetics (formerly Invitae), Labcorp
Classification: Uncertain significance for Epileptic encephalopathy. Last evaluated: 2024-05-31. Review status: criteria provided, single submitter. Criteria: Invitae Variant Classification Sherloc (09022015). Collection method: clinical testing. Allele origin: germline.
Comment: This sequence change replaces alanine, which is neutral and non-polar, with threonine, which is neutral and polar, at codon 1608 of the FASN protein (p.Ala1608Thr). This variant is present in population databases (rs201286356, gnomAD 0.007%). This variant has not been reported in the literature in individuals affected with FASN-related conditions. Algorithms developed to predict the effect of missense changes on protein structure and function output the following: SIFT: "Not Available"; PolyPhen-2: "Benign"; Align-GVGD: "Not Available". The threonine amino acid residue is found in multiple mammalian species, which suggests that this missense change does not adversely affect protein function. In summary, the available evidence is currently insufficient to determine the role of this variant in disease. Therefore, it has been classified as a Variant of Uncertain Significance.

NM_004104.5(FASN):c.4822G>A (p.Ala1608Thr)

Gene: FASN (fatty acid synthase; minus strand). Cytogenetic location: 17q25.3.
Variant type: single nucleotide variant.
Coding change: c.4822G>A on transcript NM_004104.5 (MANE Select); coding-DNA position 4822, G replaced by A.
Protein change: p.Ala1608Thr; replaces alanine 1608 with threonine.
Molecular consequence: missense variant.
Genome position (GRCh38, 1-based): chr17:82,084,331, C>T on the plus strand (G>A on the coding strand, the complement: FASN is on the minus strand). VCF-style: chr17-82084331-C-T. GRCh37 (hg19) VCF-style: chr17-80042207-C-T.
Other names: short protein forms A1608T.
Identifiers: ClinVar variation 3627401 (VCV003627401.2).
Genomic context (GRCh38, chr17:82,084,331, plus strand): 5'-GCAGGACAGAGGTGGCCAGGCCCTTGGCAGGCACCAGTCCCATCACACGCTTGCCGCTGG[C>T]GTCTCGGCCCGAGAACTCCATACCTAGCAGGCTGTCCTGGGAGGTCCACTTCCCTGGGGG-3'
Protein context (NP_004095.4, residues 1598-1618): LLGMEFSGRD[Ala1608Thr]SGKRVMGLVP